The following is an entry in ClinVar:

NM_000780.4(CYP7A1):c.1334C>T (p.Pro445Leu)

Gene: CYP7A1 (cytochrome P450 family 7 subfamily A member 1; minus strand). Cytogenetic location: 8q12.1.
Variant type: single nucleotide variant.
Coding change: c.1334C>T on transcript NM_000780.4 (MANE Select); coding-DNA position 1334, C replaced by T.
Protein change: p.Pro445Leu; replaces proline 445 with leucine.
Molecular consequence: missense variant.
Genome position (GRCh38, 1-based): chr8:58,491,656, G>A on the plus strand (C>T on the coding strand, the complement: CYP7A1 is on the minus strand). VCF-style: chr8-58491656-G-A. GRCh37 (hg19) VCF-style: chr8-59404215-G-A.
Other names: short protein forms P445L.
Identifiers: ClinVar variation 3355348 (VCV003355348.1).
Genomic context (GRCh38, chr8:58,491,656, plus strand): 5'-AAATAAGAAAGCATCAGAATCAAAAATTGCTTGATTTCGTGGATAGCGAACAATCTTCCA[G>A]GACATATTGTAGCTCCCGATCCAAAGGGCATGTAGTAATACTTTAACTTGAGTCCATTAC-3'
Protein context (NP_000771.2, residues 435-455): MPFGSGATIC[Pro445Leu]GRLFAIHEIK

ClinVar aggregate classification (germline): Uncertain significance (0 of 4 stars; one submission).

Conditions:
CYP7A1-related disorder. Also called: CYP7A1-related condition.

Submission:

PreventionGenetics, part of Exact Sciences
Classification: Uncertain significance for CYP7A1-related condition. Last evaluated: 2024-09-02. Review status: no assertion criteria provided. Collection method: clinical testing. Allele origin: germline.
Comment: The CYP7A1 c.1334C>T variant is predicted to result in the amino acid substitution p.Pro445Leu. This variant was reported as a heterozygous variant of uncertain significance in an individual with cerebrotendinous xanthomatosis (Krbanjevic et al. 2021. PubMed ID: 33298707). This variant is reported in 0.0087% of alleles in individuals of Latino descent in gnomAD. At this time, the clinical significance of this variant is uncertain due to the absence of conclusive functional and genetic evidence.